The following is an entry in ClinVar:

ClinVar aggregate classification (germline): Uncertain significance. Review status: criteria provided, multiple submitters, no conflicts (2 of 4 stars). 2 submissions from 2 submitters: Uncertain significance (2). Last evaluated 2025-03-31.

Conditions:
Dilated cardiomyopathy 1KK (CMD1KK). Identifiers: Orphanet 154, Orphanet 75249, MedGen C3714995, MONDO:0014100, OMIM 615248.
Cardiovascular phenotype. Identifiers: MedGen CN230736.

gnomAD v4.1: 1 of 1,614,148 alleles (0.000062%); highest among the groups gnomAD compares: East Asian, 0.0022%; no homozygotes.

Submissions (2):

Ambry Genetics
Classification: Uncertain significance for Cardiovascular phenotype. Last evaluated: 2025-03-31. Review status: criteria provided, single submitter. Criteria: Ambry Variant Classification Scheme 2023. Collection method: clinical testing. Allele origin: germline.
Comment: The p.G1291A variant (also known as c.3872G>C), located in coding exon 19 of the MYPN gene, results from a G to C substitution at nucleotide position 3872. The glycine at codon 1291 is replaced by alanine, an amino acid with similar properties. This amino acid position is conserved. In addition, the in silico prediction for this alteration is inconclusive. Based on the available evidence, the clinical significance of this variant remains unclear.

Labcorp Genetics (formerly Invitae), Labcorp
Classification: Uncertain significance for Dilated cardiomyopathy 1KK. Last evaluated: 2022-06-06. Review status: criteria provided, single submitter. Criteria: Invitae Variant Classification Sherloc (09022015). Collection method: clinical testing. Allele origin: germline.
Comment: In summary, the available evidence is currently insufficient to determine the role of this variant in disease. Therefore, it has been classified as a Variant of Uncertain Significance. Algorithms developed to predict the effect of missense changes on protein structure and function are either unavailable or do not agree on the potential impact of this missense change (SIFT: "Tolerated"; PolyPhen-2: "Probably Damaging"; Align-GVGD: "Class C0"). This variant has not been reported in the literature in individuals affected with MYPN-related conditions. This variant is not present in population databases (gnomAD no frequency). This sequence change replaces glycine, which is neutral and non-polar, with alanine, which is neutral and non-polar, at codon 1291 of the MYPN protein (p.Gly1291Ala).

NM_032578.4(MYPN):c.3872G>C (p.Gly1291Ala)

Gene: MYPN (myopalladin; plus strand). Cytogenetic location: 10q21.3.
Variant type: single nucleotide variant.
Coding change: c.3872G>C on transcript NM_032578.4 (MANE Select); coding-DNA position 3872, G replaced by C.
Protein change: p.Gly1291Ala; replaces glycine 1291 with alanine.
Molecular consequence: missense variant. On other transcripts: non-coding transcript variant (2).
Genome position (GRCh38, 1-based): chr10:68,210,364, G>C. VCF-style: chr10-68210364-G-C. GRCh37 (hg19) VCF-style: chr10-69970121-G-C.
Other names: c.3872G>C (NM_032578.2); c.3872G>C, p.Gly1291Ala (NM_001256267.2); c.2990G>C, p.Gly997Ala (NM_001256268.2); short protein forms G1291A, G997A.
Identifiers: ClinVar variation 2043288 (VCV002043288.5), dbSNP rs2134357260, ClinGen allele CA376830093.